The following is an entry in ClinVar:

NM_016026.4(RDH11):c.45C>G (p.Phe15Leu)

Genes: GPHN (gephyrin; plus strand), RDH11 (retinol dehydrogenase 11; minus strand). Cytogenetic location: 14q24.1.
Variant type: single nucleotide variant.
Coding change: c.45C>G on transcript NM_016026.4 (MANE Select); coding-DNA position 45, C replaced by G.
Protein change: p.Phe15Leu; replaces phenylalanine 15 with leucine.
Molecular consequence: missense variant.
Genome position (GRCh38, 1-based): chr14:67,695,659, G>C on the plus strand (C>G on the coding strand, the complement: RDH11 is on the minus strand). VCF-style: chr14-67695659-G-C. GRCh37 (hg19) VCF-style: chr14-68162376-G-C.
Other names: c.45C>G, p.Phe15Leu (NM_001252650.2); short protein forms F15L.
Identifiers: ClinVar variation 1368588 (VCV001368588.7), dbSNP rs564972121, ClinGen allele CA7238522.

ClinVar aggregate classification (germline): Uncertain significance (1 of 4 stars; one submission).

Allele frequency attached by ClinVar (database versions not stated): gnomAD 0.00001; gnomAD exomes 0.00005 and 0.00010; ExAC 0.00006; 1000 Genomes Project 0.00020; 1000 Genomes Project 30x 0.00031.
gnomAD v4.1: 66 of 1,614,194 alleles (0.0041%); highest among the groups gnomAD compares: South Asian, 0.072%; 1 homozygote.

Submission:

Labcorp Genetics (formerly Invitae), Labcorp
Classification: Uncertain significance. Last evaluated: 2022-08-22. Review status: criteria provided, single submitter. Criteria: Invitae Variant Classification Sherloc (09022015). Collection method: clinical testing. Allele origin: germline.
Comment: In summary, the available evidence is currently insufficient to determine the role of this variant in disease. Therefore, it has been classified as a Variant of Uncertain Significance. Algorithms developed to predict the effect of missense changes on protein structure and function output the following: SIFT: "Tolerated"; PolyPhen-2: "Benign"; Align-GVGD: "Class C0". The leucine amino acid residue is found in multiple mammalian species, which suggests that this missense change does not adversely affect protein function. ClinVar contains an entry for this variant (Variation ID: 1368588). This variant has not been reported in the literature in individuals affected with RDH11-related conditions. This variant is present in population databases (rs564972121, gnomAD 0.08%). This sequence change replaces phenylalanine, which is neutral and non-polar, with leucine, which is neutral and non-polar, at codon 15 of the RDH11 protein (p.Phe15Leu).